The following is an entry in ClinVar:

NM_006031.6(PCNT):c.5986G>A (p.Asp1996Asn)

Gene: PCNT (pericentrin; plus strand). Cytogenetic location: 21q22.3.
Variant type: single nucleotide variant.
Coding change: c.5986G>A on transcript NM_006031.6 (MANE Select); coding-DNA position 5986, G replaced by A.
Protein change: p.Asp1996Asn; replaces aspartic acid 1996 with asparagine.
Molecular consequence: missense variant.
Genome position (GRCh38, 1-based): chr21:46,412,059, G>A. VCF-style: chr21-46412059-G-A. GRCh37 (hg19) VCF-style: chr21-47831973-G-A.
Other names: c.5632G>A, p.Asp1878Asn (NM_001315529.2); short protein forms D1996N, D1878N.
Identifiers: ClinVar variation 4994912 (VCV004994912.1).
Genomic context (GRCh38, chr21:46,412,059, plus strand): 5'-GCCCAGGTCACCGGCGACGTGGAGGCCTCCCATGATGCTGCTTTGGAGCCGGTTGTCCCT[G>A]ACCCACAGGTGGGCTCCCCCCGCGGGCCATGGCAGGGTATTTTTTTTTACTCTCCTTTTC-3'
Protein context (NP_006022.3, residues 1986-2006): HDAALEPVVP[Asp1996Asn]PQGDLQPVLV

ClinVar aggregate classification (germline): Uncertain significance (1 of 4 stars; one submission).

Conditions:
PCNT-related disorder. Also called: PCNT-related condition.

gnomAD v4.1: 3 of 1,606,822 alleles (0.00019%); highest among the groups gnomAD compares: Admixed American, 0.005%; no homozygotes.

Submission:

PreventionGenetics, part of Exact Sciences
Classification: Uncertain significance for PCNT-related condition. Last evaluated: 2026-01-30. Review status: criteria provided, single submitter. Criteria: ACMG Guidelines, 2015. Collection method: clinical testing. Allele origin: germline.
Comment: The PCNT c.5986G>A variant is predicted to result in the amino acid substitution p.Asp1996Asn. To our knowledge, this variant has not been reported in the literature. This variant is reported in 0.0058% of alleles in individuals of Latino descent in gnomAD. At this time, the clinical significance of this variant is uncertain due to the absence of conclusive functional and genetic evidence.